The following is an entry in ClinVar:

NM_000742.4(CHRNA2):c.1280G>A (p.Gly427Asp)

Gene: CHRNA2 (cholinergic receptor nicotinic alpha 2 subunit; minus strand). Cytogenetic location: 8p21.2.
Variant type: single nucleotide variant.
Coding change: c.1280G>A on transcript NM_000742.4 (MANE Select); coding-DNA position 1280, G replaced by A.
Protein change: p.Gly427Asp; replaces glycine 427 with aspartic acid.
Molecular consequence: missense variant.
Genome position (GRCh38, 1-based): chr8:27,463,163, C>T on the plus strand (G>A on the coding strand, the complement: CHRNA2 is on the minus strand). VCF-style: chr8-27463163-C-T. GRCh37 (hg19) VCF-style: chr8-27320680-C-T.
Other names: c.1235G>A, p.Gly412Asp (NM_001282455.2); c.803G>A, p.Gly268Asp (NM_001347705.2, NM_001347706.2); c.686G>A, p.Gly229Asp (NM_001347707.2, NM_001347708.2); short protein forms G268D, G427D, G229D, G412D.
Identifiers: ClinVar variation 4775753 (VCV004775753.1).
Genomic context (GRCh38, chr8:27,463,163, plus strand): 5'-GAGGCCCCAGAGTGCAGGTGGCCGTGGCTGCAGAGGGTGCCCACAGAGGGGGCCACATGA[C>T]CTGCACATGCCCATCTGTCCTCCTCCTCCACCACCACCTCCCTCTCCTCGGCATCCACGT-3'
Protein context (NP_000733.2, residues 417-437): VEEEDRWACA[Gly427Asp]HVAPSVGTLC

ClinVar aggregate classification (germline): Uncertain significance (1 of 4 stars; one submission).

Conditions:
Familial sleep-related hypermotor epilepsy. Also called: Autosomal Dominant Sleep-Related Hypermotor (Hyperkinetic) Epilepsy. Identifiers: Orphanet 98784, MedGen C3696898, MONDO:0000030.

gnomAD v4.1: 1 of 1,597,170 alleles (0.000063%); highest among the groups gnomAD compares: African/African-American, 0.0013%; no homozygotes.

Submission:

Labcorp Genetics (formerly Invitae), Labcorp
Classification: Uncertain significance. Last evaluated: 2025-07-27. Review status: criteria provided, single submitter. Criteria: Invitae Variant Classification Sherloc (09022015). Collection method: clinical testing. Allele origin: germline.
Comment: This sequence change replaces glycine, which is neutral and non-polar, with aspartic acid, which is acidic and polar, at codon 427 of the CHRNA2 protein (p.Gly427Asp). This variant is not present in population databases (gnomAD no frequency). This variant has not been reported in the literature in individuals affected with CHRNA2-related conditions. Invitae Evidence Modeling of protein sequence and biophysical properties (such as structural, functional, and spatial information, amino acid conservation, physicochemical variation, residue mobility, and thermodynamic stability) indicates that this missense variant is not expected to disrupt CHRNA2 protein function with a negative predictive value of 95%. In summary, the available evidence is currently insufficient to determine the role of this variant in disease. Therefore, it has been classified as a Variant of Uncertain Significance.